The following is an entry in ClinVar:

ClinVar aggregate classification (germline): Uncertain significance (1 of 4 stars; one submission).

Conditions:
Cardiovascular phenotype. Identifiers: MedGen CN230736.

Submission:

Ambry Genetics
Classification: Uncertain significance for Cardiovascular phenotype. Last evaluated: 2022-11-28. Review status: criteria provided, single submitter. Criteria: Ambry Variant Classification Scheme 2023. Collection method: clinical testing. Allele origin: germline.
Comment: The c.3961_3966delGTACCT variant (also known as p.V1321_P1322del) is located in coding exon 22 of the SCN10A gene. This variant results from an in-frame GTACCT deletion at nucleotide positions 3961 to 3966. This results in the in-frame deletion of valine and proline residues at codons 1321 and 1322. These amino acid positions are not well conserved in available vertebrate species. In addition, this alteration is predicted to be neutral by in silico analysis (Choi Y et al. PLoS ONE. 2012; 7(10):e46688). The evidence for this gene-disease relationship is limited; therefore, the clinical significance of this alteration is unclear.

NM_006514.4(SCN10A):c.3961_3966del (p.Val1321_Pro1322del)

Gene: SCN10A (sodium voltage-gated channel alpha subunit 10; minus strand). Cytogenetic location: 3p22.2.
Variant type: Deletion.
Coding change: c.3961_3966del on transcript NM_006514.4 (MANE Select); coding-DNA positions 3961 to 3966, 6 bases deleted (GTACCT; older notation c.3961_3966delGTACCT).
Protein change: p.Val1321_Pro1322del.
Molecular consequence: inframe deletion.
Genome position (GRCh38, 1-based): chr3:38,712,284-38,712,289, AGGTAC deleted on the plus strand (GTACCT on the coding strand, the reverse complement: SCN10A is on the minus strand); deleting any 6 consecutive bases within chr3:38,712,284-38,712,290 gives the same sequence; the c. name uses the placement nearest the transcript's 3' end. VCF-style (leftmost placement, unchanged base first): chr3-38712283-AAGGTAC-A. GRCh37 (hg19) VCF-style: chr3-38753774-AAGGTAC-A.
Other names: c.3958_3963del, p.Val1320_Pro1321del (NM_001293306.2); c.3667_3672del, p.Val1223_Pro1224del (NM_001293307.2).
Identifiers: ClinVar variation 2497142 (VCV002497142.2), dbSNP rs1383610857, ClinGen allele CA542615804.